The following is an entry in ClinVar:

ClinVar aggregate classification (germline): Uncertain significance (1 of 4 stars; one submission).

Conditions:
Hereditary hemorrhagic telangiectasia (HHT). Also called: ORW DISEASE; Osler Weber Rendu syndrome; OSLER-RENDU-WEBER DISEASE; Osler hemorrhagic telangiectasia syndrome. Identifiers: Orphanet 774, MedGen C0039445, MONDO:0019180. Disease mechanism: loss of function.

Submission:

Labcorp Genetics (formerly Invitae), Labcorp
Classification: Uncertain significance for Hereditary hemorrhagic telangiectasia. Last evaluated: 2024-06-28. Review status: criteria provided, single submitter. Criteria: Invitae Variant Classification Sherloc (09022015). Collection method: clinical testing. Allele origin: germline.
Comment: This sequence change falls in intron 8 of the ENG gene. It does not directly change the encoded amino acid sequence of the ENG protein. It affects a nucleotide within the consensus splice site. This variant is not present in population databases (gnomAD no frequency). This variant has not been reported in the literature in individuals affected with ENG-related conditions. Variants that disrupt the consensus splice site are a relatively common cause of aberrant splicing (PMID: 17576681, 9536098). Algorithms developed to predict the effect of sequence changes on RNA splicing suggest that this variant is not likely to affect RNA splicing. In summary, the available evidence is currently insufficient to determine the role of this variant in disease. Therefore, it has been classified as a Variant of Uncertain Significance.

Literature cited by the submitters: PubMed 17576681; PubMed 9536098.

NM_001114753.3(ENG):c.1134+6G>A

Gene: ENG (endoglin; minus strand). Cytogenetic location: 9q34.11.
Variant type: single nucleotide variant.
Coding change: c.1134+6G>A on transcript NM_001114753.3 (MANE Select); 6 bases into the intron after coding-DNA position 1134, G replaced by A.
Molecular consequence: intron variant. On other transcripts: synonymous variant (1).
Genome position (GRCh38, 1-based): chr9:127,824,298, C>T on the plus strand (G>A on the coding strand, the complement: ENG is on the minus strand). VCF-style: chr9-127824298-C-T. GRCh37 (hg19) VCF-style: chr9-130586577-C-T.
Other names: c.1140G>A, p.Arg380= (NM_001406715.1); c.1134+6G>A (NM_000118.4); c.588+6G>A (NM_001278138.2).
Identifiers: ClinVar variation 3658086 (VCV003658086.2).